The following is an entry in ClinVar:

NM_001126108.2(SLC12A3):c.2979G>C (p.Trp993Cys)

Genes: SLC12A3 (solute carrier family 12 member 3; plus strand), LOC126862361 (CDK7 strongly-dependent group 2 enhancer GRCh37_chr16:56946332-56947531; plus strand). Cytogenetic location: 16q13.
Variant type: single nucleotide variant.
Coding change: c.2979G>C on transcript NM_001126108.2 (MANE Select); coding-DNA position 2979, G replaced by C.
Protein change: p.Trp993Cys; replaces tryptophan 993 with cysteine.
Molecular consequence: missense variant.
Genome position (GRCh38, 1-based): chr16:56,913,318, G>C. VCF-style: chr16-56913318-G-C. GRCh37 (hg19) VCF-style: chr16-56947230-G-C.
Other names: c.3006G>C, p.Trp1002Cys (NM_000339.3); c.3003G>C, p.Trp1001Cys (NM_001126107.2); c.2976G>C, p.Trp992Cys (NM_001410896.1); short protein forms W1001C, W1002C, W992C, W993C.
Identifiers: ClinVar variation 2137833 (VCV002137833.4), dbSNP rs2543584665, ClinGen allele CA396005880.

ClinVar aggregate classification (germline): Pathogenic (1 of 4 stars; one submission).

gnomAD v4.1: 1 of 1,614,188 alleles (0.000062%); highest among the groups gnomAD compares: Non-Finnish European, 0.000085%; no homozygotes.

Submission:

Labcorp Genetics (formerly Invitae), Labcorp
Classification: Pathogenic. Last evaluated: 2023-03-31. Review status: criteria provided, single submitter. Criteria: Invitae Variant Classification Sherloc (09022015). Collection method: clinical testing. Allele origin: germline.
Comment: For these reasons, this variant has been classified as Pathogenic. Advanced modeling of protein sequence and biophysical properties (such as structural, functional, and spatial information, amino acid conservation, physicochemical variation, residue mobility, and thermodynamic stability) performed at Invitae indicates that this missense variant is expected to disrupt SLC12A3 protein function. ClinVar contains an entry for this variant (Variation ID: 2137833). This missense change has been observed in individuals with Gitelman syndrome (PMID: 21415153). This variant is not present in population databases (gnomAD no frequency). This sequence change replaces tryptophan, which is neutral and slightly polar, with cysteine, which is neutral and slightly polar, at codon 1002 of the SLC12A3 protein (p.Trp1002Cys).

Literature cited by the submitters: PubMed 21415153.